The following is an entry in ClinVar:

NM_004963.4(GUCY2C):c.1997A>G (p.Tyr666Cys)

Gene: GUCY2C (guanylate cyclase 2C; minus strand). Cytogenetic location: 12p12.3.
Variant type: single nucleotide variant.
Coding change: c.1997A>G on transcript NM_004963.4 (MANE Select); coding-DNA position 1997, A replaced by G.
Protein change: p.Tyr666Cys; replaces tyrosine 666 with cysteine.
Molecular consequence: missense variant.
Genome position (GRCh38, 1-based): chr12:14,641,153, T>C on the plus strand (A>G on the coding strand, the complement: GUCY2C is on the minus strand). VCF-style: chr12-14641153-T-C. GRCh37 (hg19) VCF-style: chr12-14794087-T-C.
Other names: short protein forms Y666C.
Identifiers: ClinVar variation 870487 (VCV000870487.17), dbSNP rs562942379, ClinGen allele CA6463219.

ClinVar aggregate classification (germline): Conflicting classifications of pathogenicity. Review status: criteria provided, conflicting classifications (1 of 4 stars). 7 submissions from 7 submitters: Likely pathogenic (1); Uncertain significance (6). Last evaluated 2025-07-16.

Conditions:
GUCY2C-related disorder. Also called: GUCY2C-related condition.
Intestinal obstruction in the newborn due to guanylate cyclase 2C deficiency. Identifiers: Orphanet 314376, MedGen C4518781, MONDO:0013843, OMIM 614665.
Congenital diarrhea 6. Identifiers: Orphanet 314373, MedGen C3553270, MONDO:0013825, OMIM 614616.
Meconium ileus. Identifiers: Orphanet 314376, MedGen C2939175, MONDO:0054868, HP:0004401.

Allele frequency attached by ClinVar (database versions not stated): gnomAD below 0.00001 and 0.00005; TOPMed below 0.00001; gnomAD exomes 0.00004 and 0.00006; ExAC 0.00007; 1000 Genomes Project 30x 0.00016; 1000 Genomes Project 0.00020.
gnomAD v4.1: 67 of 1,613,708 alleles (0.0042%); highest among the groups gnomAD compares: South Asian, 0.068%; no homozygotes.

Submissions (7):

PreventionGenetics, part of Exact Sciences
Classification: Uncertain significance for GUCY2C-related condition. Last evaluated: 2025-07-16. Review status: criteria provided, single submitter. Criteria: ACMG Guidelines, 2015. Collection method: clinical testing. Allele origin: germline.
Comment: The GUCY2C c.1997A>G variant is predicted to result in the amino acid substitution p.Tyr666Cys. This variant has been reported in the homozygous state in an infant with meconium ileus (Varkki et al. 2021. PubMed ID: 33883099). This variant is reported in 0.052% of alleles in individuals of South Asian descent in gnomAD. Although we suspect that this variant may be pathogenic, at this time, the clinical significance of this variant is uncertain due to the absence of conclusive functional and genetic evidence.

Labcorp Genetics (formerly Invitae), Labcorp
Classification: Uncertain significance. Last evaluated: 2025-05-24. Review status: criteria provided, single submitter. Criteria: Invitae Variant Classification Sherloc (09022015). Collection method: clinical testing. Allele origin: germline.
Comment: This sequence change replaces tyrosine, which is neutral and polar, with cysteine, which is neutral and slightly polar, at codon 666 of the GUCY2C protein (p.Tyr666Cys). This variant is present in population databases (rs562942379, gnomAD 0.05%). This missense change has been observed in individual(s) with meconium ileus (PMID: 33883099). ClinVar contains an entry for this variant (Variation ID: 870487). Invitae Evidence Modeling of protein sequence and biophysical properties (such as structural, functional, and spatial information, amino acid conservation, physicochemical variation, residue mobility, and thermodynamic stability) has been performed for this missense variant. However, the output from this modeling did not meet the statistical confidence thresholds required to predict the impact of this variant on GUCY2C protein function. In summary, the available evidence is currently insufficient to determine the role of this variant in disease. Therefore, it has been classified as a Variant of Uncertain Significance.

GeneDx
Classification: Uncertain significance. Last evaluated: 2025-01-23. Review status: criteria provided, single submitter. Criteria: GeneDx Variant Classification Process June 2021. Collection method: clinical testing. Allele origin: germline. Affected: yes.
Comment: In silico analysis supports that this missense variant has a deleterious effect on protein structure/function; This variant is associated with the following publications: (PMID: 27467583, 27694994, 33883099)

3billion
Classification: Uncertain significance for Intestinal obstruction in the newborn due to guanylate cyclase 2C deficiency. Last evaluated: 2022-01-03. Review status: criteria provided, single submitter. Criteria: ACMG Guidelines, 2015. Collection method: clinical testing. Allele origin: germline. Affected: yes. Observed: 1 heterozygote.
Comment: The varaint is observed at an extremely low frequency in the gnomAD v2.1.1 dataset (total allele frequency: 0.000064, PM2_M). In silico tool predictions suggest damaging effect of the variant on gene or gene product (REVEL: 0.768, PP3_P). A missense variant is a common mechanism associated with Meconium ileus (PP2_P). Therefore, this variant is classified as uncertain significance according to the recommendation of ACMG/AMP guideline.

Diagnostics Services (NGS), CSIR - Centre For Cellular And Molecular Biology
Classification: Likely pathogenic for Intestinal obstruction in the newborn due to guanylate cyclase 2C deficiency; Congenital diarrhea 6. Last evaluated: 2020-03-24. Review status: criteria provided, single submitter. Criteria: ACMG Guidelines, 2015. Collection method: clinical testing. Allele origin: unknown. Inheritance: Autosomal recessive inheritance. Affected: yes. Observed: 1 compound heterozygote.
Comment: The c.1997A>G variant is present in publicly available databases like 1000 Genomes, Exome Aggregation Consortium (ExAC), Genome Aggregation Database (gnomAD) and dbSNP except Exome Variant Server (EVS) at a very low frequency, only in heterozygous state (MAF<0.0001). The variant is also present in our in-house exome database at MAF~0.002591, only in heterozygous state. The variant was not reported to OMIM, Human Genome Mutation Database (HGMD) or ClinVar databases in any affected individuals. In-silico pathogenicity prediction programs like SIFT, PolyPhen-2, MutationTaster2, CADD etc. predicted this variant to be likely deleterious. However there are no documented functional studies to prove this. Because of the specific phenotype and lack of enough evidence the variant has been classified likely pathogenic.

Neuberg Centre For Genomic Medicine, NCGM
Classification: Uncertain significance for Intestinal obstruction in the newborn due to guanylate cyclase 2C deficiency. Review status: criteria provided, single submitter. Criteria: ACMG Guidelines, 2015. Collection method: clinical testing. Allele origin: germline. Inheritance: Autosomal recessive inheritance. Affected: yes.
Comment: The missense variant c.1997A>G (p.Tyr666Cys) in the GUCY2C gene has not been reported previously as a pathogenic variant nor as a benign variant, to our knowledge. This variant is reported with the allele frequency (0.006%) in the gnomAD Exomes. This variant has been reported to the ClinVar database as Likely pathogenic/ Uncertain Significance. However, no details are available for independent assessment. The amino acid Tyr at position 666 is changed to a Cys changing protein sequence and it might alter its composition and physico-chemical properties. Multiple lines of computational evidence (Polyphen - Damaging, SIFT - Damaging and MutationTaster - Disease causing) predict a damaging effect on protein structure and function for this variant. The amino acid change p.Tyr666Cys in GUCY2C is predicted as conserved by GERP++ and PhyloP across 100 vertebrates. For these reasons, this variant has been classified as Uncertain Significance.

Suma Genomics
Classification: Uncertain significance for Intestinal obstruction in the newborn due to guanylate cyclase 2C deficiency. Review status: criteria provided, single submitter. Criteria: ACMG Guidelines, 2015. Collection method: clinical testing. Allele origin: inherited. Inheritance: Autosomal recessive inheritance. Affected: yes.

Literature cited by the submitters: PubMed 33883099 (cited by Labcorp Genetics (formerly Invitae), Labcorp).